The following is an entry in ClinVar:

NM_000535.7(PMS2):c.803+8G>C

Gene: PMS2 (PMS1 homolog 2, mismatch repair system component; minus strand). Cytogenetic location: 7p22.1.
Variant type: single nucleotide variant.
Coding change: c.803+8G>C on transcript NM_000535.7 (MANE Select); 8 bases into the intron after coding-DNA position 803, G replaced by C.
Molecular consequence: intron variant.
Genome position (GRCh38, 1-based): chr7:5,997,318, C>G on the plus strand (G>C on the coding strand, the complement: PMS2 is on the minus strand). VCF-style: chr7-5997318-C-G. GRCh37 (hg19) VCF-style: chr7-6036949-C-G.
Other names: c.485+8G>C (NM_001322008.2, NM_001406902.1, NM_001406883.1 and 4 more transcripts); c.494+8G>C (NM_001406881.1, NM_001406879.1, NM_001322015.2 and 6 more transcripts); c.398+8G>C (NM_001406895.1, NM_001322010.2, NM_001322004.2 and 19 more transcripts); c.132+5135G>C (NM_001406911.1); c.290+8G>C (NM_001406904.1, NM_001406905.1); c.230+8G>C (NM_001322013.2, NM_001406909.1); c.-131+8G>C (NM_001322012.2, NM_001322011.2); c.467+8G>C (NM_001406885.1); and 7 more.
Identifiers: ClinVar variation 3904039 (VCV003904039.1).

ClinVar aggregate classification (germline): Likely benign (1 of 4 stars; one submission).

Conditions:
Lynch syndrome 4 (LYNCH4). Also called: Colorectal cancer, hereditary nonpolyposis, type 4; Hereditary non-polyposis colorectal cancer, type 4. Identifiers: Orphanet 144, MedGen C1838333, MONDO:0013699, OMIM 614337. Disease mechanism: loss of function.

Submission:

Myriad Genetics, Inc.
Classification: Likely benign for Lynch syndrome 4. Last evaluated: 2025-01-28. Review status: criteria provided, single submitter. Criteria: Myriad Autosomal Dominant, Autosomal Recessive and X-Linked Classification Criteria (2023). Collection method: clinical testing. Allele origin: unknown.
Comment: This variant is considered likely benign. This variant is intronic and is not expected to impact mRNA splicing.